The following is an entry in ClinVar:

NM_000548.5(TSC2):c.2966+2T>G

Gene: TSC2 (TSC complex subunit 2; plus strand). Cytogenetic location: 16p13.3.
Variant type: single nucleotide variant.
Coding change: c.2966+2T>G on transcript NM_000548.5 (MANE Select); the canonical splice donor site of the intron after coding-DNA position 2966, T replaced by G.
Molecular consequence: splice donor variant. On other transcripts: intron variant (31).
Genome position (GRCh38, 1-based): chr16:2,077,728, T>G. VCF-style: chr16-2077728-T-G. GRCh37 (hg19) VCF-style: chr16-2127729-T-G.
Other names: c.1493+1143T>G (NM_001406693.1, NM_001406690.1, NM_001406692.1 and 5 more transcripts); c.2927+1143T>G (NM_001406667.1, NM_001406668.1); c.2366+2T>G (NM_001406680.1, NM_001406683.1, NM_001406682.1 and 1 more transcripts); c.2237+1143T>G (NM_001406687.1, NM_001406685.1, NM_001318831.2 and 2 more transcripts); c.1622+2T>G (NM_001406689.1); c.1235+1143T>G (NM_001406698.1); c.2966+2T>G (NM_001114382.3, NM_001406663.1, NM_001406664.1); c.2837+1143T>G (NM_021055.3, NM_001370405.1, NM_001363528.2 and 3 more transcripts); and 8 more.
Identifiers: ClinVar variation 4866091 (VCV004866091.1).

ClinVar aggregate classification (germline): Uncertain significance (1 of 4 stars; one submission).

Conditions:
Hereditary cancer-predisposing syndrome. Also called: Neoplastic Syndromes, Hereditary; Tumor predisposition; Hereditary Cancer Syndrome; Hereditary neoplastic syndrome. Identifiers: Orphanet 140162, MedGen C0027672, MeSH D009386, MONDO:0015356.

Submission:

Ambry Genetics
Classification: Uncertain significance for Hereditary cancer-predisposing syndrome. Last evaluated: 2026-04-16. Review status: criteria provided, single submitter. Criteria: Ambry Variant Classification Scheme 2023. Collection method: clinical testing. Allele origin: germline.
Comment: The c.2966+2T>G intronic variant results from a T to G substitution two nucleotides after coding exon 25 in the TSC2 gene. This nucleotide position is highly conserved in available vertebrate species. In silico splice site analysis predicts that this alteration will weaken the native splice donor site. Alterations that disrupt the canonical splice site are expected to cause aberrant splicing. However, this variant is predicted to impact the splicing of an exon that is absent in biologically relevant transcripts (Ekong R et al. Hum. Mutat., 2016 Apr;37:364-70). Since supporting evidence is limited at this time, the clinical significance of this alteration remains unclear.